The following is an entry in ClinVar:

ClinVar aggregate classification (germline): Conflicting classifications of pathogenicity. Review status: criteria provided, conflicting classifications (1 of 4 stars). 5 submissions from 5 submitters: Uncertain significance (3); Benign (1); Likely benign (1). Last evaluated 2024-06-03.

Conditions:
Ovarian cancer. Also called: OVARIAN CANCER, SOMATIC. Identifiers: Orphanet 213500, MedGen C1140680, MONDO:0008170, OMIM 167000.
Hereditary cancer-predisposing syndrome. Also called: Hereditary Cancer Syndrome; Tumor predisposition; Hereditary neoplastic syndrome; Neoplastic Syndromes, Hereditary. Identifiers: Orphanet 140162, MedGen C0027672, MeSH D009386, MONDO:0015356.
Tuberous sclerosis 1 (TSC1). Identifiers: Orphanet 805, MedGen C1854465, MONDO:0008612, OMIM 191100.

Allele frequency attached by ClinVar (database versions not stated): gnomAD exomes below 0.00001 and 0.00001; gnomAD 0.00001.
gnomAD v4.1: 10 of 1,614,008 alleles (0.00062%); highest among the groups gnomAD compares: South Asian, 0.0099%; no homozygotes.

Submissions (5):

Ambry Genetics
Classification: Uncertain significance for Hereditary cancer-predisposing syndrome. Last evaluated: 2024-06-03. Review status: criteria provided, single submitter. Criteria: Ambry Variant Classification Scheme 2023. Collection method: clinical testing. Allele origin: germline.
Comment: The p.Q792R variant (also known as c.2375A>G), located in coding exon 16 of the TSC1 gene, results from an A to G substitution at nucleotide position 2375. The glutamine at codon 792 is replaced by arginine, an amino acid with highly similar properties. This amino acid position is well conserved in available vertebrate species. In addition, the in silico prediction for this alteration is inconclusive. Based on the available evidence, the clinical significance of this variant remains unclear.

Labcorp Genetics (formerly Invitae), Labcorp
Classification: Likely benign for Tuberous sclerosis 1. Last evaluated: 2024-04-11. Review status: criteria provided, single submitter. Criteria: Invitae Variant Classification Sherloc (09022015). Collection method: clinical testing. Allele origin: germline.

Laboratory of Molecular Epidemiology of Birth Defects, West China Second University Hospital, Sichuan University
Classification: Benign for Ovarian cancer. Last evaluated: 2022-01-01. Review status: criteria provided, single submitter. Criteria: ACMG Guidelines, 2015. Collection method: clinical testing. Allele origin: germline. Affected: yes.

Genome-Nilou Lab
Classification: Uncertain significance for Tuberous sclerosis 1. Last evaluated: 2021-11-07. Review status: criteria provided, single submitter. Criteria: ACMG Guidelines, 2015. Collection method: clinical testing. Allele origin: germline. Affected: no.

GeneDx
Classification: Uncertain significance. Last evaluated: 2012-06-08. Review status: criteria provided, single submitter. Criteria: GeneDx Variant Classification (06012015). Collection method: clinical testing. Allele origin: germline. Affected: yes.
Comment: p.Gln792Arg (CAG>CGG): c.2375 A>G in exon 18 of the TSC1 gene (NM_000368.3). The nGln792Arg missense change has not been published as a mutation, nor has it been reported as a benign polymorphism to our knowledge. The NHLBI ESP Exome Variant Project has not identified Gln792Arg in approximately 5,000 individuals of European or African American ethnicity, indicating that it is not a common benign variant in these populations. The amino acid substitution is non-conservative, as an uncharged Glutamine residue is replaced by a positively charged Arginine residue. Gln792Arg alters a position that is highly conserved in the hamartin protein but is not conserved in related proteins, and multiple in silico models predict that Lys30Arg is benign. Additionally, the vast majority of TSC1 mutations result in protein truncation, while missense mutations have been reported only rarely (Northrup et al., 2011; Au et al., 2007). These findings suggest that Gln792Arg is likely a rare benign variant; however, the possibility that Gln792Arg is disease-causing cannot be excluded at present. The variant is found in INFANT-EPI panel(s).

NM_000368.5(TSC1):c.2375A>G (p.Gln792Arg)

Gene: TSC1 (TSC complex subunit 1; minus strand). Cytogenetic location: 9q34.13.
Variant type: single nucleotide variant.
Coding change: c.2375A>G on transcript NM_000368.5 (MANE Select); coding-DNA position 2375, A replaced by G.
Protein change: p.Gln792Arg; replaces glutamine 792 with arginine.
Molecular consequence: missense variant.
Genome position (GRCh38, 1-based): chr9:132,902,621, T>C on the plus strand (A>G on the coding strand, the complement: TSC1 is on the minus strand). VCF-style: chr9-132902621-T-C. GRCh37 (hg19) VCF-style: chr9-135778008-T-C.
Other names: p.Q792R:CAG>CGG; c.2372A>G, p.Gln791Arg (NM_001162426.2); c.2222A>G, p.Gln741Arg (NM_001162427.2); c.2012A>G, p.Gln671Arg (NM_001362177.2); short protein forms Q792R, Q741R, Q671R, Q791R.
Identifiers: ClinVar variation 207636 (VCV000207636.18), dbSNP rs796053460, ClinGen allele CA319304.